The following is an entry in ClinVar:

ClinVar aggregate classification (germline): Benign (1 of 4 stars; one submission).

Allele frequency attached by ClinVar (database versions not stated): ESP Exome Variant Server 0.01343; gnomAD exomes 0.00128; gnomAD 0.01244 and 0.01169; 1000 Genomes Project 30x 0.01499; TOPMed 0.01359; 1000 Genomes Project 0.01478.

Submission:

Women's Health and Genetics/Laboratory Corporation of America, LabCorp
Classification: Benign. Last evaluated: 2016-08-17. Review status: criteria provided, single submitter. Criteria: LabCorp Variant Classification Summary - May 2015. Collection method: clinical testing. Allele origin: germline.
Comment: Variant summary: The CD40 c.-69delT variant involves the alteration of a non-conserved nucleotide. One in silico tool predicts a benign outcome for this variant. This variant was found in 242/17514 control chromosomes, predominantly observed in the African subpopulation at a frequency of 0.0428 (239/5580). This frequency is about 271 times the estimated maximal expected allele frequency of a pathogenic CD40 variant (0.0001581), suggesting this is likely a benign polymorphism found primarily in the populations of origin. The variant of interest has not, to our knowledge, been reported in affected individuals via publications and/or reputable databases/clinical diagnostic laboratories; nor evaluated for functional impact by in vivo/vitro studies. Taken together, this variant is classified as benign.

NM_001250.4(CD40):c.-69delT

Genes: CD40 (CD40 molecule; plus strand), LOC127893450 (CRISPRi-FlowFISH-validated CD40 regulatory element GRCh37_chr20:44746135-44748232; plus strand). Cytogenetic location: 20q13.12.
Variant type: Deletion.
Coding change: c.-69delT on transcript NM_001250.4; 69 bases upstream of the start codon, one base deleted (T).
Genome position (GRCh38, 1-based): chr20:46,118,275, T deleted. VCF-style (leftmost placement, unchanged base first): chr20-46118274-CT-C. GRCh37 (hg19) VCF-style: chr20-44746913-CT-C.
Identifiers: ClinVar variation 338565 (VCV000338565.8), dbSNP rs11569300, ClinGen allele CA10653168.